The following is an entry in ClinVar:

ClinVar aggregate classification (germline): Uncertain significance. Review status: criteria provided, multiple submitters, no conflicts (2 of 4 stars). 2 submissions from 2 submitters: Uncertain significance (2). Last evaluated 2024-12-02.

Conditions:
Retinitis pigmentosa 71 (RP71). Identifiers: Orphanet 791, MedGen C4225342, MONDO:0014618, OMIM 616394.
Short-rib thoracic dysplasia 10 with or without polydactyly (SRTD10). Identifiers: Orphanet 474, MedGen C3810175, MONDO:0014284, OMIM 615630.
Bardet-Biedl syndrome 20. Identifiers: MedGen C4310707, MONDO:0023670, OMIM 619471, MONDO:0014926.

Allele frequency attached by ClinVar (database versions not stated): gnomAD exomes 0.00001 and 0.00002; gnomAD 0.00002; ExAC 0.00004; ESP Exome Variant Server 0.00008.
gnomAD v4.1: 20 of 1,612,542 alleles (0.0012%); highest among the groups gnomAD compares: Admixed American, 0.0033%; no homozygotes.

Submissions (2):

Labcorp Genetics (formerly Invitae), Labcorp
Classification: Uncertain significance for Retinitis pigmentosa 71; Short-rib thoracic dysplasia 10 with or without polydactyly. Last evaluated: 2024-12-02. Review status: criteria provided, single submitter. Criteria: Invitae Variant Classification Sherloc (09022015). Collection method: clinical testing. Allele origin: germline.
Comment: This sequence change falls in intron 5 of the IFT172 gene. It does not directly change the encoded amino acid sequence of the IFT172 protein. This variant is present in population databases (rs367657817, gnomAD 0.004%). This variant has not been reported in the literature in individuals affected with IFT172-related conditions. ClinVar contains an entry for this variant (Variation ID: 1347164). Algorithms developed to predict the effect of sequence changes on RNA splicing suggest that this variant may disrupt the consensus splice site. In summary, the available evidence is currently insufficient to determine the role of this variant in disease. Therefore, it has been classified as a Variant of Uncertain Significance.

Fulgent Genetics
Classification: Uncertain significance for Short-rib thoracic dysplasia 10 with or without polydactyly; Retinitis pigmentosa 71; Bardet-Biedl syndrome 20. Last evaluated: 2022-02-16. Review status: criteria provided, single submitter. Criteria: ACMG Guidelines, 2015. Collection method: clinical testing. Allele origin: unknown.

NM_015662.3(IFT172):c.403-16A>G

Gene: IFT172 (intraflagellar transport 172; minus strand). Cytogenetic location: 2p23.3.
Variant type: single nucleotide variant.
Coding change: c.403-16A>G on transcript NM_015662.3 (MANE Select); 16 bases into the intron before coding-DNA position 403, A replaced by G.
Molecular consequence: intron variant.
Genome position (GRCh38, 1-based): chr2:27,483,675, T>C on the plus strand (A>G on the coding strand, the complement: IFT172 is on the minus strand). VCF-style: chr2-27483675-T-C. GRCh37 (hg19) VCF-style: chr2-27706542-T-C.
Identifiers: ClinVar variation 1347164 (VCV001347164.6), dbSNP rs367657817, ClinGen allele CA1580989.